The following is an entry in ClinVar:

ClinVar aggregate classification (germline): Benign/Likely benign. Review status: criteria provided, multiple submitters, no conflicts (2 of 4 stars). 7 submissions from 7 submitters: Benign (5); Likely benign (1). 1 of the submissions does not count toward it. Last evaluated 2026-02-04.

Conditions:
Orofacial-digital syndrome IV (OFD4). Also called: MOHR-MAJEWSKI SYNDROME; Orofaciodigital syndrome IV; OFD SYNDROME WITH TIBIAL DEFECTS; OFD SYNDROME, BARAITSER-BURN TYPE; OFDS IV; ORAL-FACIAL-DIGITAL SYNDROME, TYPE IV. Identifiers: Orphanet 2753, MedGen C0406727, MONDO:0009794, OMIM 258860.
Joubert syndrome 18 (JBTS18). Identifiers: Orphanet 2754, MedGen C3553758, MONDO:0013896, OMIM 614815.

Allele frequency attached by ClinVar (database versions not stated): ExAC 0.07800; gnomAD 0.10199; 1000 Genomes Project 0.10244; TOPMed 0.10287; ESP Exome Variant Server 0.10293; 1000 Genomes Project 30x 0.10462.

Submissions (7):

Labcorp Genetics (formerly Invitae), Labcorp
Classification: Benign for Joubert syndrome 18; Orofacial-digital syndrome IV. Last evaluated: 2026-02-04. Review status: criteria provided, single submitter. Criteria: Invitae Variant Classification Sherloc (09022015). Collection method: clinical testing. Allele origin: germline.

Blueprint Genetics
Classification: Likely benign. Last evaluated: 2024-11-27. Review status: criteria provided, single submitter. Criteria: ACMG Guidelines, 2015. Collection method: clinical testing. Allele origin: germline.

Mayo Clinic Laboratories, Mayo Clinic
Classification: Benign. Last evaluated: 2022-03-09. Review status: criteria provided, single submitter. Criteria: ACMG Guidelines, 2015. Collection method: clinical testing. Allele origin: germline. Observed: 14 variant alleles.

GeneDx
Classification: Benign. Last evaluated: 2016-02-19. Review status: criteria provided, single submitter. Criteria: GeneDx Variant Classification (06012015). Collection method: clinical testing. Allele origin: germline. Affected: yes.
Comment: This variant is considered likely benign or benign based on one or more of the following criteria: it is a conservative change, it occurs at a poorly conserved position in the protein, it is predicted to be benign by multiple in silico algorithms, and/or has population frequency not consistent with disease.

Breakthrough Genomics
Classification: Benign. Review status: criteria provided, single submitter. Criteria: ACMG Guidelines, 2015. Collection method: not provided. Allele origin: germline. Inheritance: Autosomal recessive inheritance. Affected: yes.

PreventionGenetics, part of Exact Sciences
Classification: Benign. Review status: criteria provided, single submitter. Criteria: ACMG Guidelines, 2015. Collection method: clinical testing. Allele origin: germline.

Genetic Services Laboratory, University of Chicago
Classification: Likely benign for AllHighlyPenetrant. Review status: no assertion criteria provided. Collection method: clinical testing. Allele origin: germline. Inheritance: Autosomal recessive inheritance. Not counted in ClinVar's aggregate classification.
Comment: Likely benign based on allele frequency in 1000 Genomes Project or ESP global frequency and its presence in a patient with a rare or unrelated disease phenotype. NOT Sanger confirmed.

NM_015631.6(TCTN3):c.193A>C (p.Thr65Pro)

Genes: TCTN3 (tectonic family member 3; minus strand), LOC130004408 (ATAC-STARR-seq lymphoblastoid active region 3801; plus strand). Cytogenetic location: 10q24.1.
Variant type: single nucleotide variant.
Coding change: c.193A>C on transcript NM_015631.6 (MANE Select); coding-DNA position 193, A replaced by C.
Protein change: p.Thr65Pro; replaces threonine 65 with proline.
Molecular consequence: missense variant.
Genome position (GRCh38, 1-based): chr10:95,693,707, T>G on the plus strand (A>C on the coding strand, the complement: TCTN3 is on the minus strand). VCF-style: chr10-95693707-T-G. GRCh37 (hg19) VCF-style: chr10-97453464-T-G.
Other names: p.Thr65Pro; c.193A>C, p.Thr65Pro (NM_001143973.2); short protein forms T65P.
Identifiers: ClinVar variation 130576 (VCV000130576.18), dbSNP rs11553577, ClinGen allele CA155695.